The following is an entry in ClinVar:

ClinVar aggregate classification (germline): Uncertain significance (1 of 4 stars; one submission).

Allele frequency attached by ClinVar (database versions not stated): TOPMed 0.00001.

Submission:

Labcorp Genetics (formerly Invitae), Labcorp
Classification: Uncertain significance. Last evaluated: 2025-10-21. Review status: criteria provided, single submitter. Criteria: Invitae Variant Classification Sherloc (09022015). Collection method: clinical testing. Allele origin: germline.
Comment: This sequence change replaces alanine, which is neutral and non-polar, with serine, which is neutral and polar, at codon 989 of the TOPORS protein (p.Ala989Ser). This variant is not present in population databases (gnomAD no frequency). This missense change has been observed in individual(s) with clinical features of retinitis pigmentosa (internal data). ClinVar contains an entry for this variant (Variation ID: 1477056). Experimental studies and prediction algorithms are not available or were not evaluated, and the functional significance of this variant is currently unknown. In summary, the available evidence is currently insufficient to determine the role of this variant in disease. Therefore, it has been classified as a Variant of Uncertain Significance.

NM_005802.5(TOPORS):c.2965G>T (p.Ala989Ser)

Gene: TOPORS (TOP1 binding arginine/serine rich protein, E3 ubiquitin ligase; minus strand). Cytogenetic location: 9p21.1.
Variant type: single nucleotide variant.
Coding change: c.2965G>T on transcript NM_005802.5 (MANE Select); coding-DNA position 2965, G replaced by T.
Protein change: p.Ala989Ser; replaces alanine 989 with serine.
Molecular consequence: missense variant.
Genome position (GRCh38, 1-based): chr9:32,541,560, C>A on the plus strand (G>T on the coding strand, the complement: TOPORS is on the minus strand). VCF-style: chr9-32541560-C-A. GRCh37 (hg19) VCF-style: chr9-32541558-C-A.
Other names: c.2770G>T, p.Ala924Ser (NM_001195622.2); short protein forms A989S, A924S.
Identifiers: ClinVar variation 1477056 (VCV001477056.8), dbSNP rs1209487717, ClinGen allele CA373159804.